The following is an entry in ClinVar:

ClinVar aggregate classification (germline): Uncertain significance (1 of 4 stars; one submission).

Conditions:
Hereditary cancer-predisposing syndrome. Also called: Neoplastic Syndromes, Hereditary; Tumor predisposition; Hereditary Cancer Syndrome; Hereditary neoplastic syndrome. Identifiers: Orphanet 140162, MedGen C0027672, MeSH D009386, MONDO:0015356.

Submission:

Ambry Genetics
Classification: Uncertain significance for Hereditary cancer-predisposing syndrome. Last evaluated: 2026-02-20. Review status: criteria provided, single submitter. Criteria: Ambry Variant Classification Scheme 2023. Collection method: clinical testing. Allele origin: germline.
Comment: The c.2377-4G>A intronic variant results from a G to A substitution 4 nucleotides upstream from coding exon 15 in the ATM gene. This nucleotide position is poorly conserved in available vertebrate species. In silico splice site analysis for this alteration is inconclusive. Based on the available evidence, the clinical significance of this variant remains unclear.

NM_000051.4(ATM):c.2377-4G>A

Gene: ATM (ATM serine/threonine kinase; plus strand). Cytogenetic location: 11q22.3.
Variant type: single nucleotide variant.
Coding change: c.2377-4G>A on transcript NM_000051.4 (MANE Select); 4 bases into the intron before coding-DNA position 2377, G replaced by A.
Molecular consequence: intron variant.
Genome position (GRCh38, 1-based): chr11:108,258,982, G>A. VCF-style: chr11-108258982-G-A. GRCh37 (hg19) VCF-style: chr11-108129709-G-A.
Other names: c.2377-4G>A (NM_001351834.2).
Identifiers: ClinVar variation 4825522 (VCV004825522.1).